The following is an entry in ClinVar:

NM_138694.4(PKHD1):c.9568C>T (p.Gln3190Ter)

Gene: PKHD1 (PKHD1 ciliary IPT domain containing fibrocystin/polyductin; minus strand). Cytogenetic location: 6p12.3.
Variant type: single nucleotide variant.
Coding change: c.9568C>T on transcript NM_138694.4 (MANE Select); coding-DNA position 9568, C replaced by T.
Protein change: p.Gln3190Ter; replaces glutamine 3190 with a stop codon.
Molecular consequence: nonsense.
Genome position (GRCh38, 1-based): chr6:51,748,048, G>A on the plus strand (C>T on the coding strand, the complement: PKHD1 is on the minus strand). VCF-style: chr6-51748048-G-A. GRCh37 (hg19) VCF-style: chr6-51612846-G-A.
Other names: c.9568C>T, p.Gln3190Ter (NM_170724.3); c.9568C>T (NM_138694.3); short protein forms Q3190*.
Identifiers: ClinVar variation 2677823 (VCV002677823.2), dbSNP rs2533811442, ClinGen allele CA364420788.
Genomic context (GRCh38, chr6:51,748,048, plus strand): 5'-AGCTGGTGGCCACAATGACTGAATTCCTAAGCACAATCTGCACTTTTTTGACGGAATTTT[G>A]TGGAGCAGAAAATACATACACTACTGCCAAAAGACCAATAGTATTGTCTACCAGAGTAAT-3'

ClinVar aggregate classification (germline): Pathogenic. Review status: criteria provided, multiple submitters, no conflicts (2 of 4 stars). 2 submissions from 2 submitters: Pathogenic (2). Last evaluated 2025-07-28.

Conditions:
Polycystic kidney disease 4 (PKD4). Also called: POLYCYSTIC KIDNEY AND HEPATIC DISEASE 1; POLYCYSTIC KIDNEY DISEASE, INFANTILE, TYPE I; PKD3; POLYCYSTIC KIDNEY DISEASE 4 WITH OR WITHOUT POLYCYSTIC LIVER DISEASE; Autosomal Recessive Polycystic Kidney Disease – PKHD1. Identifiers: MedGen C4540575, MONDO:0033004, OMIM 263200.
Autosomal recessive polycystic kidney disease (ARPKD). Also called: AR polycystic kidney disease. Identifiers: Orphanet 731, Orphanet 8378, MedGen C0085548, MeSH D017044, MONDO:0009889.

Submissions (2):

Natera, Inc.
Classification: Pathogenic for Autosomal recessive polycystic kidney disease. Last evaluated: 2025-07-28. Review status: criteria provided, single submitter. Criteria: Natera Variant Classification Schema (03/2026). Collection method: clinical testing. Allele origin: germline.
Comment: The c.9568C>T variant in PKHD1 is a nonsense variant predicted to introduce a stop codon at amino acid 3190. This variant is expected to result in nonsense mediated decay, truncation, or a dysfunctional protein product. This variant is rare in the general population with a frequency below the threshold expected for the associated phenotype(s). This variant has been observed in one or more individuals affected with the associated recessive disease, as either homozygous or compound heterozygous with a second variant (PMID: 33123899). Given the available evidence, this variant is classified as Pathogenic.

Baylor Genetics
Classification: Pathogenic for Polycystic kidney disease 4. Last evaluated: 2023-04-01. Review status: criteria provided, single submitter. Criteria: ACMG Guidelines, 2015. Collection method: clinical testing. Allele origin: unknown.

Literature cited by the submitters: PubMed 33123899 (cited by Natera, Inc.).